The following is an entry in ClinVar:

ClinVar aggregate classification (germline): Uncertain significance (0 of 4 stars; one submission).

Conditions:
CLCN7-related disorder. Also called: CLCN7-related condition.

Submission:

PreventionGenetics, part of Exact Sciences
Classification: Uncertain significance for CLCN7-related condition. Last evaluated: 2023-12-29. Review status: no assertion criteria provided. Collection method: clinical testing. Allele origin: germline.
Comment: The CLCN7 c.1324C>A variant is predicted to result in the amino acid substitution p.Gln442Lys. To our knowledge, this variant has not been reported in the literature or in a large population database, indicating this variant is rare. At this time, the clinical significance of this variant is uncertain due to the absence of conclusive functional and genetic evidence.

NM_001287.6(CLCN7):c.1324C>A (p.Gln442Lys)

Gene: CLCN7 (chloride voltage-gated channel 7; minus strand). Cytogenetic location: 16p13.3.
Variant type: single nucleotide variant.
Coding change: c.1324C>A on transcript NM_001287.6 (MANE Select); coding-DNA position 1324, C replaced by A.
Protein change: p.Gln442Lys; replaces glutamine 442 with lysine.
Molecular consequence: missense variant.
Genome position (GRCh38, 1-based): chr16:1,452,784, G>T on the plus strand (C>A on the coding strand, the complement: CLCN7 is on the minus strand). VCF-style: chr16-1452784-G-T. GRCh37 (hg19) VCF-style: chr16-1502785-G-T.
Other names: c.1252C>A, p.Gln418Lys (NM_001114331.3); short protein forms Q418K, Q442K.
Identifiers: ClinVar variation 3036326 (VCV003036326.2), dbSNP rs1465333844, ClinGen allele CA394189093.